The following is an entry in ClinVar:

NM_002473.6(MYH9):c.136C>T (p.Leu46Phe)

Gene: MYH9 (myosin heavy chain 9; minus strand). Cytogenetic location: 22q12.3.
Variant type: single nucleotide variant.
Coding change: c.136C>T on transcript NM_002473.6 (MANE Select); coding-DNA position 136, C replaced by T.
Protein change: p.Leu46Phe; replaces leucine 46 with phenylalanine.
Molecular consequence: missense variant.
Genome position (GRCh38, 1-based): chr22:36,349,101, G>A on the plus strand (C>T on the coding strand, the complement: MYH9 is on the minus strand). VCF-style: chr22-36349101-G-A. GRCh37 (hg19) VCF-style: chr22-36745146-G-A.
Other names: short protein forms L46F.
Identifiers: ClinVar variation 178438 (VCV000178438.59), dbSNP rs147122501, ClinGen allele CA182333.

ClinVar aggregate classification (germline): Benign/Likely benign. Review status: criteria provided, multiple submitters, no conflicts (2 of 4 stars). 15 submissions from 14 submitters: Benign (8); Likely benign (4). 3 of the submissions do not count toward it. Last evaluated 2026-02-04.

Conditions:
Macrothrombocytopenia and granulocyte inclusions with or without nephritis or sensorineural hearing loss (MATINS). Also called: MYH9-Related Disease (MYH9-RD); BLEEDING DISORDER, PLATELET-TYPE, 6; MACROTHROMBOCYTOPENIA WITH LEUKOCYTE INCLUSIONS; MAY-HEGGLIN ANOMALY; DOHLE LEUKOCYTE INCLUSIONS WITH GIANT PLATELETS; MACROTHROMBOCYTOPENIA WITH DISPERSED LEUKOCYTIC INCLUSIONS. Identifiers: Orphanet 182050, MedGen C5200934, MONDO:0015912, OMIM 155100.
Vitelliform macular dystrophy 1 (VMD1). Identifiers: Orphanet 99000, MedGen C4551953, MONDO:0007933, OMIM 153840.
Autosomal dominant nonsyndromic hearing loss 17. Also called: Autosomal dominant nonsyndromic deafness 17; Deafness, autosomal dominant 17. Identifiers: Orphanet 90635, MedGen C1863659, MONDO:0011350, OMIM 603622.
MYH9-related disorder. Identifiers: MedGen C1854520.

Allele frequency attached by ClinVar (database versions not stated): 1000 Genomes Project 30x 0.00187; TOPMed 0.00187; 1000 Genomes Project 0.00200; ESP Exome Variant Server 0.00208; gnomAD exomes 0.00453 and 0.00604; ExAC 0.00525; gnomAD 0.00529 and 0.00554.
gnomAD v4.1: 7,296 of 1,614,202 alleles (0.45%); highest among the groups gnomAD compares: Non-Finnish European, 0.38%; 74 homozygotes.

Submissions (15):

Labcorp Genetics (formerly Invitae), Labcorp
Classification: Benign. Last evaluated: 2026-02-04. Review status: criteria provided, single submitter. Criteria: Invitae Variant Classification Sherloc (09022015). Collection method: clinical testing. Allele origin: germline.

CeGaT Center for Human Genetics Tuebingen
Classification: Likely benign. Last evaluated: 2026-01-01. Review status: criteria provided, single submitter. Criteria: CeGaT Center For Human Genetics Tuebingen Variant Classification Criteria Version 2. Collection method: clinical testing. Allele origin: germline. Affected: yes. Observed: 10 variant alleles.
Comment: MYH9: BS1

Mayo Clinic Laboratories, Mayo Clinic
Classification: Benign. Last evaluated: 2025-09-22. Review status: criteria provided, single submitter. Criteria: ACMG Guidelines, 2015. Collection method: clinical testing. Allele origin: germline. Observed: 6 variant alleles.
Comment: BS1, BS2, PP2

ARUP Laboratories, Molecular Genetics and Genomics, ARUP Laboratories
Classification: Benign. Last evaluated: 2025-06-17. Review status: criteria provided, single submitter. Criteria: ARUP Molecular Germline Variant Investigation Process 2024. Collection method: clinical testing. Allele origin: germline.

Blueprint Genetics
Classification: Likely benign. Last evaluated: 2024-11-26. Review status: criteria provided, single submitter. Criteria: ACMG Guidelines, 2015. Collection method: clinical testing. Allele origin: germline.

Athena Diagnostics
Classification: Benign. Last evaluated: 2019-04-17. Review status: criteria provided, single submitter. Criteria: Athena Diagnostics Criteria. Collection method: clinical testing. Allele origin: germline.

GeneDx
Classification: Benign. Last evaluated: 2018-10-01. Review status: criteria provided, single submitter. Criteria: GeneDx Variant Classification Process June 2021. Collection method: clinical testing. Allele origin: germline. Affected: yes.
Comment: This variant is associated with the following publications: (PMID: 30245029, 29090586, 29110756, 25077172, 24130771)

Illumina Laboratory Services, Illumina
Classification: Benign for MYH9-related disorder. Last evaluated: 2018-01-13. Review status: criteria provided, single submitter. Criteria: ICSL Variant Classification Criteria 13 December 2019. Collection method: clinical testing. Allele origin: germline.
Comment: This variant was observed in the ICSL laboratory as part of a predisposition screen in an ostensibly healthy population. It had not been previously curated by ICSL or reported in the Human Gene Mutation Database (HGMD: prior to June 1st, 2018), and was therefore a candidate for classification through an automated scoring system. Utilizing variant allele frequency, disease prevalence and penetrance estimates, and inheritance mode, an automated score was calculated to assess if this variant is too frequent to cause the disease. Based on the score and internal cut-off values, a variant classified as benign is not then subjected to further curation. The score for this variant resulted in a classification of benign for this disease.

Illumina Laboratory Services, Illumina
Classification: Likely benign for Autosomal dominant nonsyndromic hearing loss 17. Last evaluated: 2018-01-13. Review status: criteria provided, single submitter. Criteria: ICSL Variant Classification Criteria 13 December 2019. Collection method: clinical testing. Allele origin: germline.
Comment: This variant was observed in the ICSL laboratory as part of a predisposition screen in an ostensibly healthy population. It had not been previously curated by ICSL or reported in the Human Gene Mutation Database (HGMD: prior to June 1st, 2018), and was therefore a candidate for classification through an automated scoring system. Utilizing variant allele frequency, disease prevalence and penetrance estimates, and inheritance mode, an automated score was calculated to assess if this variant is too frequent to cause the disease. Based on the score and internal cut-off values, a variant classified as likely benign is not then subjected to further curation. The score for this variant resulted in a classification of likely benign for this disease.

Laboratory for Molecular Medicine, Mass General Brigham Personalized Medicine
Classification: Benign. Last evaluated: 2015-06-08. Review status: criteria provided, single submitter. Criteria: LMM Criteria. Collection method: clinical testing. Allele origin: germline. Observed: 6 variant alleles.
Comment: Leu46Phe in exon 2 of MYH9: This variant is not expected to have clinical signif icance because it has been identified in 4.5% (295/6600) of Finnish chromosomes including 5 homozygotes by the Exome Aggregation Consortium (ExAC; dbSNP rs147122501).

Eurofins Ntd Llc (ga)
Classification: Benign. Last evaluated: 2015-05-12. Review status: criteria provided, single submitter. Criteria: EGL Classification Definitions 2015. Collection method: clinical testing. Allele origin: germline. Observed: 1 variant allele, 1 heterozygote.

Breakthrough Genomics
Classification: Likely benign. Review status: criteria provided, single submitter. Criteria: ACMG Guidelines, 2015. Collection method: not provided. Allele origin: germline. Inheritance: Autosomal dominant inheritance. Affected: yes.

Clinical Genetics DNA and cytogenetics Diagnostics Lab, Erasmus MC, Erasmus Medical Center
Classification: Likely benign. Review status: no assertion criteria provided. Collection method: clinical testing. Allele origin: germline. Affected: yes. Study: VKGL Data-share Consensus. Not counted in ClinVar's aggregate classification.

Joint Genome Diagnostic Labs from Nijmegen and Maastricht, Radboudumc and MUMC+
Classification: Benign. Review status: no assertion criteria provided. Collection method: clinical testing. Allele origin: germline. Affected: yes. Study: VKGL Data-share Consensus. Not counted in ClinVar's aggregate classification.

Laboratory of Diagnostic Genome Analysis, Leiden University Medical Center (LUMC)
Classification: Benign. Review status: no assertion criteria provided. Collection method: clinical testing. Allele origin: germline. Affected: yes. Study: VKGL Data-share Consensus. Not counted in ClinVar's aggregate classification.

Literature cited by the submitters: PubMed 24130771 (cited by Athena Diagnostics); PubMed 25077172 (cited by Athena Diagnostics); PubMed 30720677 (cited by Athena Diagnostics).